The following is an entry in ClinVar:

ClinVar aggregate classification (germline): Pathogenic/Likely pathogenic. Review status: criteria provided, multiple submitters, no conflicts (2 of 4 stars). 2 submissions from 2 submitters: Pathogenic (1); Likely pathogenic (1). Last evaluated 2023-11-04.

Conditions:
Legius syndrome. Identifiers: Orphanet 137605, MedGen C1969623, MONDO:0012669, OMIM 611431. Disease mechanism: loss of function.

Allele frequency attached by ClinVar (database versions not stated): gnomAD exomes below 0.00001; TOPMed below 0.00001; gnomAD 0.00001.
gnomAD v4.1: 2 of 1,613,742 alleles (0.00012%); highest among the groups gnomAD compares: Non-Finnish European, 0.00017%; no homozygotes.

Submissions (2):

Labcorp Genetics (formerly Invitae), Labcorp
Classification: Pathogenic for Legius syndrome. Last evaluated: 2023-11-04. Review status: criteria provided, single submitter. Criteria: Invitae Variant Classification Sherloc (09022015). Collection method: clinical testing. Allele origin: germline.
Comment: This sequence change creates a premature translational stop signal (p.Arg251*) in the SPRED1 gene. While this is not anticipated to result in nonsense mediated decay, it is expected to disrupt the last 194 amino acid(s) of the SPRED1 protein. This variant is not present in population databases (gnomAD no frequency). This variant has not been reported in the literature in individuals affected with SPRED1-related conditions. ClinVar contains an entry for this variant (Variation ID: 1335175). This variant disrupts a region of the SPRED1 protein in which other variant(s) (p.Cys418Alafs*6) have been determined to be pathogenic (PMID: 19920235). This suggests that this is a clinically significant region of the protein, and that variants that disrupt it are likely to be disease-causing. For these reasons, this variant has been classified as Pathogenic.

CeGaT Center for Human Genetics Tuebingen
Classification: Likely pathogenic. Last evaluated: 2021-11-01. Review status: criteria provided, single submitter. Criteria: CeGaT Center For Human Genetics Tuebingen Variant Classification Criteria Version 2. Collection method: clinical testing. Allele origin: germline. Affected: yes. Observed: 1 variant allele.

Literature cited by the submitters: PubMed 19920235 (cited by Labcorp Genetics (formerly Invitae), Labcorp).

NM_152594.3(SPRED1):c.751C>T (p.Arg251Ter)

Gene: SPRED1 (sprouty related EVH1 domain containing 1; plus strand). Cytogenetic location: 15q14.
Variant type: single nucleotide variant.
Coding change: c.751C>T on transcript NM_152594.3 (MANE Select); coding-DNA position 751, C replaced by T.
Protein change: p.Arg251Ter; replaces arginine 251 with a stop codon.
Molecular consequence: nonsense.
Genome position (GRCh38, 1-based): chr15:38,351,080, C>T. VCF-style: chr15-38351080-C-T. GRCh37 (hg19) VCF-style: chr15-38643281-C-T.
Other names: short protein forms R251*.
Identifiers: ClinVar variation 1335175 (VCV001335175.38), dbSNP rs1172820756, ClinGen allele CA391933160.